The following is an entry in ClinVar:

NM_000059.4(BRCA2):c.5776_5777del (p.Gln1925_Ser1926insTer)

Gene: BRCA2 (BRCA2 DNA repair associated; plus strand). Cytogenetic location: 13q13.1.
Variant type: Microsatellite.
Coding change: c.5776_5777del on transcript NM_000059.4 (MANE Select); coding-DNA positions 5776 to 5777, 2 bases deleted (AG; older notation c.5776_5777delAG).
Protein change: p.Gln1925_Ser1926insTer.
Molecular consequence: nonsense. On other transcripts: frameshift variant (2), non-coding transcript variant (1), intron variant (2).
Genome position (GRCh38, 1-based): chr13:32,340,131-32,340,132, AG deleted; deleting any 2 consecutive bases within chr13:32,340,129-32,340,132 gives the same sequence; the c. name uses the placement nearest the transcript's 3' end. VCF-style (leftmost placement, unchanged base first): chr13-32340128-CAG-C. GRCh37 (hg19) VCF-style: chr13-32914265-CAG-C.
Other names: c.5776_5777delAG (NM_000059.3); c.5774_5775AG[1], p.Ser1926Terfs (NM_000059.3); c.5776_5777del, p.Gln1925_Ser1926insTer (NM_001406719.1, NM_001406720.1, NM_001432077.1); c.1910-4427_1910-4426del (NM_001406721.1); c.425-4427_425-4426del (NM_001406722.1).
Identifiers: ClinVar variation 3482178 (VCV003482178.2).

ClinVar aggregate classification (germline): Pathogenic. Review status: criteria provided, multiple submitters, no conflicts (2 of 4 stars). 2 submissions from 2 submitters: Pathogenic (2). Last evaluated 2026-01-09.

Conditions:
Hereditary cancer-predisposing syndrome. Also called: Neoplastic Syndromes, Hereditary; Tumor predisposition; Hereditary neoplastic syndrome; Hereditary Cancer Syndrome. Identifiers: Orphanet 140162, MedGen C0027672, MeSH D009386, MONDO:0015356.
Breast-ovarian cancer, familial, susceptibility to, 2 (BROVCA2). Also called: BRCA2 Hereditary Breast and Ovarian Cancer. Identifiers: Orphanet 145, MedGen C2675520, MONDO:0012933, OMIM 612555. Disease mechanism: loss of function.

Submissions (2):

Myriad Genetics, Inc.
Classification: Pathogenic for Breast-ovarian cancer, familial, susceptibility to, 2. Last evaluated: 2026-01-09. Review status: criteria provided, single submitter. Criteria: Myriad Autosomal Dominant, Autosomal Recessive and X-Linked Classification Criteria (2023). Collection method: clinical testing. Allele origin: unknown.
Comment: This variant is considered pathogenic. This variant creates a termination codon and is predicted to result in premature protein truncation.

Ambry Genetics
Classification: Pathogenic for Hereditary cancer-predisposing syndrome. Last evaluated: 2024-11-14. Review status: criteria provided, single submitter. Criteria: Ambry Variant Classification Scheme 2023. Collection method: clinical testing. Allele origin: germline.
Comment: The c.5776_5777delAG pathogenic mutation, located in coding exon 10 of the BRCA2 gene, results from a deletion of two nucleotides at nucleotide positions 5776 to 5777, causing a translational frameshift with a predicted alternate stop codon (p.S1926*). This variant is considered to be rare based on population cohorts in the Genome Aggregation Database (gnomAD). This alteration is expected to result in loss of function by premature protein truncation or nonsense-mediated mRNA decay. As such, this alteration is interpreted as a disease-causing mutation.